The following is an entry in ClinVar:

NM_001163435.3(TBCK):c.1201T>C (p.Tyr401His)

Gene: TBCK (TBC1 domain containing kinase; minus strand). Cytogenetic location: 4q24.
Variant type: single nucleotide variant.
Coding change: c.1201T>C on transcript NM_001163435.3 (MANE Select); coding-DNA position 1201, T replaced by C.
Protein change: p.Tyr401His; replaces tyrosine 401 with histidine.
Molecular consequence: missense variant.
Genome position (GRCh38, 1-based): chr4:106,236,778, A>G on the plus strand (T>C on the coding strand, the complement: TBCK is on the minus strand). VCF-style: chr4-106236778-A-G. GRCh37 (hg19) VCF-style: chr4-107157935-A-G.
Other names: NM_001163435.3(TBCK):c.1201T>C; p.Tyr401His; c.1201T>C (NM_001163435.2); c.1201T>C, p.Tyr401His (NM_001163436.4); c.1084T>C, p.Tyr362His (NM_001163437.3); c.685T>C, p.Tyr229His (NM_001290768.2); c.1012T>C, p.Tyr338His (NM_033115.5); short protein forms Y338H, Y229H, Y362H, Y401H.
Identifiers: ClinVar variation 1431297 (VCV001431297.5), dbSNP rs199583403, ClinGen allele CA3035152.

ClinVar aggregate classification (germline): Uncertain significance. Review status: criteria provided, multiple submitters, no conflicts (2 of 4 stars). 4 submissions from 4 submitters: Uncertain significance (4). Last evaluated 2026-05-01.

Conditions:
Hypotonia, infantile, with psychomotor retardation and characteristic facies 3 (IHPRF3). Also called: TBCK-Related Neurodevelopmental Disorder. Identifiers: Orphanet 488632, MedGen C5567480, MONDO:0014823, OMIM 616900.

Allele frequency attached by ClinVar (database versions not stated): gnomAD exomes 0.00013 and 0.00035; ExAC 0.00014; ESP Exome Variant Server 0.00015; 1000 Genomes Project 30x 0.00016; gnomAD 0.00017 and 0.00019; TOPMed 0.00018; 1000 Genomes Project 0.00020.
gnomAD v4.1: 504 of 1,518,424 alleles (0.033%); highest among the groups gnomAD compares: Non-Finnish European, 0.042%; 2 homozygotes.

Submissions (4):

GeneDx
Classification: Uncertain significance. Last evaluated: 2026-05-01. Review status: criteria provided, single submitter. Criteria: GeneDx Variant Classification Process June 2021. Collection method: clinical testing. Allele origin: germline.
Comment: Reported with a second TBCK variant on the opposite allele (in trans) in a patient with brain anomalies, intellectual disability, and developmental delay in published literature (PMID: 33958710); In silico analysis supports that this missense variant has a deleterious effect on protein structure/function; This variant is associated with the following publications: (PMID: 33958710, 39433808)

Broad Center for Mendelian Genomics, Broad Institute of MIT and Harvard
Classification: Uncertain significance for Hypotonia, infantile, with psychomotor retardation and characteristic facies 3. Last evaluated: 2025-01-14. Review status: criteria provided, single submitter. Criteria: ACMG Guidelines, 2015. Collection method: curation. Allele origin: germline. Inheritance: Autosomal recessive inheritance.
Comment: The p.Tyr401His variant in TBCK has been reported in one individual with TBCK-related intellectual disability syndrome (PMID: 33958710), and has been identified in 0.04% (471/1132398) of European (non-Finnish) chromosomes by the Genome Aggregation Database, including 2 homozygotes (gnomAD; dbSNP ID: rs199583403). The increased frequency of this variant in the general population, along with the presence of 2 homozygotes, suggests that this variant may not be pathogenic. This variant has also been reported in ClinVar (Variation ID: 1431297) and has been interpreted as a variant of uncertain significance by Invitae. Computational prediction tools, including splice predictors, and conservation analyses suggest that this variant may not impact the protein, though this information is not predictive enough to rule out pathogenicity. In summary, the clinical significance of the p.Tyr401His variant is uncertain. ACMG/AMP Criteria applied: BP4 (Richards 2015).

Blueprint Genetics
Classification: Uncertain significance. Last evaluated: 2024-11-19. Review status: criteria provided, single submitter. Criteria: ACMG Guidelines, 2015. Collection method: clinical testing. Allele origin: germline.

Labcorp Genetics (formerly Invitae), Labcorp
Classification: Uncertain significance. Last evaluated: 2022-08-09. Review status: criteria provided, single submitter. Criteria: Invitae Variant Classification Sherloc (09022015). Collection method: clinical testing. Allele origin: germline.
Comment: This sequence change replaces tyrosine, which is neutral and polar, with histidine, which is basic and polar, at codon 401 of the TBCK protein (p.Tyr401His). This variant is present in population databases (rs199583403, gnomAD 0.03%). This variant has not been reported in the literature in individuals affected with TBCK-related conditions. ClinVar contains an entry for this variant (Variation ID: 1431297). Algorithms developed to predict the effect of missense changes on protein structure and function are either unavailable or do not agree on the potential impact of this missense change (SIFT: "Tolerated"; PolyPhen-2: "Probably Damaging"; Align-GVGD: "Class C0"). In summary, the available evidence is currently insufficient to determine the role of this variant in disease. Therefore, it has been classified as a Variant of Uncertain Significance.